The following is an entry in ClinVar:

ClinVar aggregate classification (germline): Uncertain significance (1 of 4 stars; one submission).

gnomAD v4.1: 2 of 1,613,380 alleles (0.00012%); highest among the groups gnomAD compares: Admixed American, 0.0017%; no homozygotes.

Submission:

Mayo Clinic Laboratories, Mayo Clinic
Classification: Uncertain significance. Last evaluated: 2024-04-05. Review status: criteria provided, single submitter. Criteria: ACMG Guidelines, 2015. Collection method: clinical testing. Allele origin: germline. Observed: 1 variant allele.
Comment: PM2

NM_024589.3(ROGDI):c.415G>A (p.Gly139Ser)

Gene: ROGDI (rogdi atypical leucine zipper; minus strand). Cytogenetic location: 16p13.3.
Variant type: single nucleotide variant.
Coding change: c.415G>A on transcript NM_024589.3 (MANE Select); coding-DNA position 415, G replaced by A.
Protein change: p.Gly139Ser; replaces glycine 139 with serine.
Molecular consequence: missense variant. On other transcripts: non-coding transcript variant (1).
Genome position (GRCh38, 1-based): chr16:4,799,703, C>T on the plus strand (G>A on the coding strand, the complement: ROGDI is on the minus strand). VCF-style: chr16-4799703-C-T. GRCh37 (hg19) VCF-style: chr16-4849704-C-T.
Other names: p.Gly139Ser; short protein forms G139S.
Identifiers: ClinVar variation 3380369 (VCV003380369.1).
Genomic context (GRCh38, chr16:4,799,703, plus strand): 5'-AACGTGGGACTAGGCCCAGGAGTCAGGCCCGGGGGCAGCTCACCTTGAGGACCTCAGCGC[C>T]CGTCTTGAACTGGTAGCTCTGGTCCCGGCTGGTAAGCAGGTAAATGGCTTGGCTCACATG-3'
Protein context (NP_078865.1, residues 129-149): SRDQSYQFKT[Gly139Ser]AEVLKLMDAV